The following is an entry in ClinVar:

NM_000161.3(GCH1):c.649G>A (p.Gly217Ser)

Gene: GCH1 (GTP cyclohydrolase 1; minus strand). Cytogenetic location: 14q22.2.
Variant type: single nucleotide variant.
Coding change: c.649G>A on transcript NM_000161.3 (MANE Select); coding-DNA position 649, G replaced by A.
Protein change: p.Gly217Ser; replaces glycine 217 with serine.
Molecular consequence: missense variant. On other transcripts: intron variant (2).
Genome position (GRCh38, 1-based): chr14:54,844,121, C>T on the plus strand (G>A on the coding strand, the complement: GCH1 is on the minus strand). VCF-style: chr14-54844121-C-T. GRCh37 (hg19) VCF-style: chr14-55310839-C-T.
Other names: c.649G>A, p.Gly217Ser (NM_001024024.2); c.627-1067G>A (NM_001024071.2); c.627-252G>A (NM_001024070.2); short protein forms G217S.
Identifiers: ClinVar variation 1705529 (VCV001705529.1), dbSNP rs2504336804, ClinGen allele CA389787195.

ClinVar aggregate classification (germline): Uncertain significance (1 of 4 stars; one submission).

Conditions:
Dystonia 5 (DRD). Also called: GTP Cyclohydrolase 1-Deficient Dopa-Responsive Dystonia; Dystonia, DOPA-responsive, with or without hyperphenylalaninemia; DYSTONIA, PROGRESSIVE, WITH DIURNAL VARIATION; DYSTONIA-PARKINSONISM WITH DIURNAL FLUCTUATION; DYT-GCH1. Identifiers: Orphanet 98808, MedGen C1851920, MONDO:0007495, OMIM 128230.

Submission:

3billion
Classification: Uncertain significance for Dystonia 5. Last evaluated: 2022-09-01. Review status: criteria provided, single submitter. Criteria: ACMG Guidelines, 2015. Collection method: clinical testing. Allele origin: germline. Affected: yes. Observed: 1 homozygote.
Comment: The variant is not observed in the gnomAD v2.1.1 dataset. In silico tool predictions suggest damaging effect of the variant on gene or gene product (REVEL: 0.97; 3Cnet: 1.00). Therefore, this variant is classified as uncertain significance according to the recommendation of ACMG/AMP guideline.